The following is an entry in ClinVar:

NM_198252.3(GSN):c.1862G>A (p.Cys621Tyr)

Gene: GSN (gelsolin; plus strand). Cytogenetic location: 9q33.2.
Variant type: single nucleotide variant.
Coding change: c.1862G>A on transcript NM_198252.3 (MANE Select); coding-DNA position 1862, G replaced by A.
Protein change: p.Cys621Tyr; replaces cysteine 621 with tyrosine.
Molecular consequence: missense variant.
Genome position (GRCh38, 1-based): chr9:121,328,990, G>A. VCF-style: chr9-121328990-G-A. GRCh37 (hg19) VCF-style: chr9-124091268-G-A.
Other names: c.2015G>A, p.Cys672Tyr (NM_000177.5); c.1862G>A, p.Cys621Tyr (NM_001127662.2, NM_001127664.2, NM_001127665.2 and 10 more transcripts); c.1970G>A, p.Cys657Tyr (NM_001127663.2); c.1895G>A, p.Cys632Tyr (NM_001127666.2, NM_001127667.2, NM_001353063.2 and 13 more transcripts); c.1913G>A, p.Cys638Tyr (NM_001258029.2); c.1886G>A, p.Cys629Tyr (NM_001258030.2); c.1934G>A, p.Cys645Tyr (NM_001353076.2); c.1208G>A, p.Cys403Tyr (NM_001353078.2); short protein forms C632Y, C657Y, C629Y, C403Y, C672Y, C621Y, C638Y, C645Y.
Identifiers: ClinVar variation 3706734 (VCV003706734.2).

ClinVar aggregate classification (germline): Uncertain significance (1 of 4 stars; one submission).

gnomAD v4.1: 1 of 1,613,898 alleles (0.000062%); highest among the groups gnomAD compares: Non-Finnish European, 0.000085%; no homozygotes.

Submission:

Labcorp Genetics (formerly Invitae), Labcorp
Classification: Uncertain significance. Last evaluated: 2024-07-19. Review status: criteria provided, single submitter. Criteria: Invitae Variant Classification Sherloc (09022015). Collection method: clinical testing. Allele origin: germline.
Comment: This sequence change replaces cysteine, which is neutral and slightly polar, with tyrosine, which is neutral and polar, at codon 672 of the GSN protein (p.Cys672Tyr). This variant is present in population databases (no rsID available, gnomAD 0.0009%). This variant has not been reported in the literature in individuals affected with GSN-related conditions. Advanced modeling of protein sequence and biophysical properties (such as structural, functional, and spatial information, amino acid conservation, physicochemical variation, residue mobility, and thermodynamic stability) performed at Invitae indicates that this missense variant is expected to disrupt GSN protein function with a positive predictive value of 80%. In summary, the available evidence is currently insufficient to determine the role of this variant in disease. Therefore, it has been classified as a Variant of Uncertain Significance.